The following is an entry in ClinVar:

NM_020297.4(ABCC9):c.3892+6G>T

Genes: ABCC9 (ATP binding cassette subfamily C member 9; minus strand), KCNJ8-AS1 (KCNJ8 antisense RNA 1; plus strand). Cytogenetic location: 12p12.1.
Variant type: single nucleotide variant.
Coding change: c.3892+6G>T on transcript NM_020297.4 (MANE Select); 6 bases into the intron after coding-DNA position 3892, G replaced by T.
Molecular consequence: intron variant.
Genome position (GRCh38, 1-based): chr12:21,817,181, C>A on the plus strand (G>T on the coding strand, the complement: ABCC9 is on the minus strand). VCF-style: chr12-21817181-C-A. GRCh37 (hg19) VCF-style: chr12-21970115-C-A.
Other names: c.3025+6G>T (NM_001377274.1); c.3892+6G>T (NM_005691.4, NM_001377273.1).
Identifiers: ClinVar variation 5009903 (VCV005009903.1).

ClinVar aggregate classification (germline): Uncertain significance (1 of 4 stars; one submission).

Submission:

GeneDx
Classification: Uncertain significance. Last evaluated: 2026-02-22. Review status: criteria provided, single submitter. Criteria: GeneDx Variant Classification Process June 2021. Collection method: clinical testing. Allele origin: germline.
Comment: Has not been previously published as pathogenic or benign to our knowledge; Not observed at significant frequency in large population cohorts (gnomAD); In silico analysis suggests that this variant does not alter splicing